The following is an entry in ClinVar:

ClinVar aggregate classification (germline): Conflicting classifications of pathogenicity. Review status: criteria provided, conflicting classifications (1 of 4 stars). 4 submissions from 4 submitters: Likely pathogenic (1); Uncertain significance (3). Last evaluated 2023-10-01.

Conditions:
Retinal dystrophy. Also called: Inherited retinal dystrophy. Identifiers: Orphanet 71862, MedGen C0854723, MeSH D058499, MONDO:0019118, HP:0000556.

gnomAD v4.1: 2 of 1,550,908 alleles (0.00013%); highest among the groups gnomAD compares: African/African-American, 0.0014%; no homozygotes.

Submissions (4):

Dept Of Ophthalmology, Nagoya University
Classification: Likely pathogenic for Retinal dystrophy. Last evaluated: 2023-10-01. Review status: criteria provided, single submitter. Criteria: Submitter's publication. Collection method: research. Allele origin: germline. Affected: yes.

Labcorp Genetics (formerly Invitae), Labcorp
Classification: Uncertain significance. Last evaluated: 2022-12-12. Review status: criteria provided, single submitter. Criteria: Invitae Variant Classification Sherloc (09022015). Collection method: clinical testing. Allele origin: germline.
Comment: ClinVar contains an entry for this variant (Variation ID: 1308585). This sequence change replaces arginine, which is basic and polar, with cysteine, which is neutral and slightly polar, at codon 2760 of the EYS protein (p.Arg2760Cys). This variant is not present in population databases (gnomAD no frequency). This missense change has been observed in individuals with retinis pigmentosa (PMID: 32218477, 32795431). Advanced modeling of protein sequence and biophysical properties (such as structural, functional, and spatial information, amino acid conservation, physicochemical variation, residue mobility, and thermodynamic stability) has been performed at Invitae for this missense variant, however the output from this modeling did not meet the statistical confidence thresholds required to predict the impact of this variant on EYS protein function. In summary, the available evidence is currently insufficient to determine the role of this variant in disease. Therefore, it has been classified as a Variant of Uncertain Significance.

Blueprint Genetics
Classification: Uncertain significance. Last evaluated: 2022-10-03. Review status: criteria provided, single submitter. Criteria: ACMG Guidelines, 2015. Collection method: clinical testing. Allele origin: germline.

GeneDx
Classification: Uncertain significance. Last evaluated: 2019-04-18. Review status: criteria provided, single submitter. Criteria: GeneDx Variant Classification Process June 2021. Collection method: clinical testing. Allele origin: germline. Affected: yes.
Comment: Not observed in large population cohorts (Lek et al., 2016); In silico analysis, which includes protein predictors and evolutionary conservation, supports that this variant does not alter protein structure/function; Has not been previously published as pathogenic or benign to our knowledge

Literature cited by the submitters: PubMed 32218477 (cited by Labcorp Genetics (formerly Invitae), Labcorp); PubMed 32795431 (cited by Labcorp Genetics (formerly Invitae), Labcorp).

NM_001142800.2(EYS):c.8278C>T (p.Arg2760Cys)

Genes: EYS (EGF-like photoreceptor maintenance factor; minus strand), PHF3 (PHD finger protein 3; plus strand). Cytogenetic location: 6q12.
Variant type: single nucleotide variant.
Coding change: c.8278C>T on transcript NM_001142800.2 (MANE Select); coding-DNA position 8278, C replaced by T.
Protein change: p.Arg2760Cys; replaces arginine 2760 with cysteine.
Molecular consequence: missense variant. On other transcripts: 3 prime UTR variant (5).
Genome position (GRCh38, 1-based): chr6:63,721,753, G>A on the plus strand (C>T on the coding strand, the complement: EYS is on the minus strand). VCF-style: chr6-63721753-G-A. GRCh37 (hg19) VCF-style: chr6-64431649-G-A.
Other names: c.8341C>T (FM209056.1); c.*8045G>A (NM_001290259.2, NM_001370348.2, NM_001370349.2 and 2 more transcripts); c.8341C>T, p.Arg2781Cys (NM_001292009.2); short protein forms R2760C, R2781C.
Identifiers: ClinVar variation 1308585 (VCV001308585.6), dbSNP rs1384884334, ClinGen allele CA364385300.